The following is an entry in ClinVar:

ClinVar aggregate classification (germline): Likely benign (1 of 4 stars; one submission).

Allele frequency attached by ClinVar (database versions not stated): TOPMed 0.00006; 1000 Genomes Project 30x 0.00016; ExAC 0.00017; gnomAD 0.00019; 1000 Genomes Project 0.00020; gnomAD exomes 0.00031.
gnomAD v4.1: 458 of 1,613,410 alleles (0.028%); highest among the groups gnomAD compares: East Asian, 0.97%; 6 homozygotes.

Submission:

CeGaT Center for Human Genetics Tuebingen
Classification: Likely benign. Last evaluated: 2023-11-01. Review status: criteria provided, single submitter. Criteria: CeGaT Center For Human Genetics Tuebingen Variant Classification Criteria Version 2. Collection method: clinical testing. Allele origin: germline. Affected: yes. Observed: 1 variant allele.
Comment: KCNU1: BP4

NM_001031836.3(KCNU1):c.2183C>T (p.Pro728Leu)

Gene: KCNU1 (potassium calcium-activated channel subfamily U member 1; plus strand). Cytogenetic location: 8p11.23.
Variant type: single nucleotide variant.
Coding change: c.2183C>T on transcript NM_001031836.3 (MANE Select); coding-DNA position 2183, C replaced by T.
Protein change: p.Pro728Leu; replaces proline 728 with leucine.
Molecular consequence: missense variant. On other transcripts: non-coding transcript variant (1).
Genome position (GRCh38, 1-based): chr8:36,909,387, C>T. VCF-style: chr8-36909387-C-T. GRCh37 (hg19) VCF-style: chr8-36766905-C-T.
Other names: short protein forms P728L.
Identifiers: ClinVar variation 2673143 (VCV002673143.23), dbSNP rs542427403, ClinGen allele CA4709812.